The following is an entry in ClinVar:

ClinVar aggregate classification (germline): Conflicting classifications of pathogenicity. Review status: criteria provided, conflicting classifications (1 of 4 stars). 4 submissions from 4 submitters: Uncertain significance (3); Likely benign (1). Last evaluated 2025-11-25.

Conditions:
Inborn genetic diseases. Identifiers: MedGen C0950123, MeSH D030342.
Ullrich congenital muscular dystrophy 2 (UCMD2). Identifiers: Orphanet 75840, MedGen C4225314, MONDO:0014654, OMIM 616470.
Bethlem myopathy 2 (BTHLM2). Identifiers: Orphanet 536516, Orphanet 610, MedGen C4225313, MONDO:0034022, OMIM 616471.

Allele frequency attached by ClinVar (database versions not stated): ExAC 0.00002; gnomAD exomes 0.00002 and 0.00005; TOPMed 0.00002; gnomAD 0.00003.

Submissions (4):

Labcorp Genetics (formerly Invitae), Labcorp
Classification: Uncertain significance for Bethlem myopathy 2; Ullrich congenital muscular dystrophy 2. Last evaluated: 2025-11-25. Review status: criteria provided, single submitter. Criteria: Invitae Variant Classification Sherloc (09022015). Collection method: clinical testing. Allele origin: germline.
Comment: This sequence change replaces valine, which is neutral and non-polar, with leucine, which is neutral and non-polar, at codon 2350 of the COL12A1 protein (p.Val2350Leu). This variant is present in population databases (rs755159927, gnomAD 0.004%). This variant has not been reported in the literature in individuals affected with COL12A1-related conditions. ClinVar contains an entry for this variant (Variation ID: 583015). Invitae Evidence Modeling of protein sequence and biophysical properties (such as structural, functional, and spatial information, amino acid conservation, physicochemical variation, residue mobility, and thermodynamic stability) indicates that this missense variant is not expected to disrupt COL12A1 protein function with a negative predictive value of 80%. In summary, the available evidence is currently insufficient to determine the role of this variant in disease. Therefore, it has been classified as a Variant of Uncertain Significance.

Ambry Genetics
Classification: Uncertain significance for Inborn genetic diseases. Last evaluated: 2025-01-21. Review status: criteria provided, single submitter. Criteria: Ambry Variant Classification Scheme 2023. Collection method: clinical testing. Allele origin: germline.

Blueprint Genetics
Classification: Likely benign. Last evaluated: 2024-11-26. Review status: criteria provided, single submitter. Criteria: ACMG Guidelines, 2015. Collection method: clinical testing. Allele origin: germline.

Mayo Clinic Laboratories, Mayo Clinic
Classification: Uncertain significance. Last evaluated: 2024-01-26. Review status: criteria provided, single submitter. Criteria: ACMG Guidelines, 2015. Collection method: clinical testing. Allele origin: germline. Observed: 1 variant allele.

NM_004370.6(COL12A1):c.7048G>T (p.Val2350Leu)

Gene: COL12A1 (collagen type XII alpha 1 chain; minus strand). Cytogenetic location: 6q13.
Variant type: single nucleotide variant.
Coding change: c.7048G>T on transcript NM_004370.6 (MANE Select); coding-DNA position 7048, G replaced by T.
Protein change: p.Val2350Leu; replaces valine 2350 with leucine.
Molecular consequence: missense variant.
Genome position (GRCh38, 1-based): chr6:75,121,340, C>A on the plus strand (G>T on the coding strand, the complement: COL12A1 is on the minus strand). VCF-style: chr6-75121340-C-A. GRCh37 (hg19) VCF-style: chr6-75831056-C-A.
Other names: p.Val2350Leu; c.3556G>T, p.Val1186Leu (NM_080645.3); short protein forms V2350L, V1186L.
Identifiers: ClinVar variation 583015 (VCV000583015.15), dbSNP rs755159927, ClinGen allele CA3892662.
Genomic context (GRCh38, chr6:75,121,340, plus strand): 5'-CCACTGGCGGAATGACACTAACCTGAATCCCAGCAGGACTGATTTCATCAAAGCCTCCCA[C>A]AGTATTGAAGATGAATTTTACAACTTTGTTAAAATTATCGTCCCCAATGCTCCAGGAGGC-3'
Protein context (NP_004361.3, residues 2340-2360): NKVVKFIFNT[Val2350Leu]GGFDEISPAG